The following is an entry in ClinVar:

NM_015346.4(ZFYVE26):c.6875T>C (p.Leu2292Pro)

Gene: ZFYVE26 (zinc finger FYVE-type containing 26; minus strand). Cytogenetic location: 14q24.1.
Variant type: single nucleotide variant.
Coding change: c.6875T>C on transcript NM_015346.4 (MANE Select); coding-DNA position 6875, T replaced by C.
Protein change: p.Leu2292Pro; replaces leucine 2292 with proline.
Molecular consequence: missense variant.
Genome position (GRCh38, 1-based): chr14:67,755,162, A>G on the plus strand (T>C on the coding strand, the complement: ZFYVE26 is on the minus strand). VCF-style: chr14-67755162-A-G. GRCh37 (hg19) VCF-style: chr14-68221879-A-G.
Other names: short protein forms L2292P.
Identifiers: ClinVar variation 1982218 (VCV001982218.3), dbSNP rs566669485, ClinGen allele CA7239120.

ClinVar aggregate classification (germline): Uncertain significance (1 of 4 stars; one submission).

Conditions:
Spastic paraplegia. Identifiers: MedGen C0037772, HP:0001258.

Allele frequency attached by ClinVar (database versions not stated): gnomAD 0.00001; gnomAD exomes 0.00001; ExAC 0.00004; 1000 Genomes Project 30x 0.00016; 1000 Genomes Project 0.00020.
gnomAD v4.1: 21 of 1,614,218 alleles (0.0013%); highest among the groups gnomAD compares: South Asian, 0.023%; no homozygotes.

Submission:

Labcorp Genetics (formerly Invitae), Labcorp
Classification: Uncertain significance for Spastic paraplegia. Last evaluated: 2024-10-15. Review status: criteria provided, single submitter. Criteria: Invitae Variant Classification Sherloc (09022015). Collection method: clinical testing. Allele origin: germline.
Comment: This sequence change replaces leucine, which is neutral and non-polar, with proline, which is neutral and non-polar, at codon 2292 of the ZFYVE26 protein (p.Leu2292Pro). This variant is present in population databases (rs566669485, gnomAD 0.02%). This variant has not been reported in the literature in individuals affected with ZFYVE26-related conditions. ClinVar contains an entry for this variant (Variation ID: 1982218). An algorithm developed to predict the effect of missense changes on protein structure and function (PolyPhen-2) suggests that this variant is likely to be disruptive. In summary, the available evidence is currently insufficient to determine the role of this variant in disease. Therefore, it has been classified as a Variant of Uncertain Significance.